The following is an entry in ClinVar:

ClinVar aggregate classification (germline): Pathogenic. Review status: criteria provided, multiple submitters, no conflicts (2 of 4 stars). 4 submissions from 4 submitters: Pathogenic (3). 1 of the submissions does not count toward it. Last evaluated 2025-05-08.

Conditions:
Heart defect - tongue hamartoma - polysyndactyly syndrome. Also called: Congenital heart defects, hamartomas of tongue, and polysyndactyly. Identifiers: Orphanet 1338, MedGen C1857587, MONDO:0009008, OMIM 217085.
Bardet-Biedl syndrome 15 (BBS15). Identifiers: Orphanet 110, MedGen C3150127, MONDO:0014443, OMIM 615992.
Bardet-Biedl syndrome (BBS). Identifiers: Orphanet 110, MedGen C0752166, MONDO:0015229.

Submissions (4):

First Genomix Gene Laboratory, Genetic Diagnostics Department
Classification: Pathogenic for Bardet-Biedl syndrome 15; Heart defect - tongue hamartoma - polysyndactyly syndrome. Last evaluated: 2025-05-08. Review status: criteria provided, single submitter. Criteria: ACMG Guidelines, 2015. Collection method: clinical testing. Allele origin: germline. Inheritance: Autosomal recessive inheritance. Affected: no. Observed: 1 variant allele.

Labcorp Genetics (formerly Invitae), Labcorp
Classification: Pathogenic for Bardet-Biedl syndrome. Last evaluated: 2024-12-15. Review status: criteria provided, single submitter. Criteria: Invitae Variant Classification Sherloc (09022015). Collection method: clinical testing. Allele origin: germline.
Comment: This sequence change creates a premature translational stop signal (p.Cys185Phefs*12) in the WDPCP gene. It is expected to result in an absent or disrupted protein product. Loss-of-function variants in WDPCP are known to be pathogenic (PMID: 20671153, 25427950, 27158779). This variant is present in population databases (rs727503781, gnomAD 0.007%). This premature translational stop signal has been observed in individual(s) with WDPCP-related conditions (PMID: 25427950). ClinVar contains an entry for this variant (Variation ID: 162668). For these reasons, this variant has been classified as Pathogenic.

Genomic Medicine Center of Excellence, King Faisal Specialist Hospital and Research Centre
Classification: Pathogenic for Heart defect - tongue hamartoma - polysyndactyly syndrome. Last evaluated: 2024-03-29. Review status: criteria provided, single submitter. Criteria: ACMG Guidelines, 2015. Collection method: clinical testing. Allele origin: germline.

OMIM
Classification: Pathogenic for CONGENITAL HEART DEFECTS, HAMARTOMAS OF THE TONGUE, AND POLYSYNDACTYLY. Last evaluated: 2015-02-01. Review status: no assertion criteria provided. Collection method: literature only. Allele origin: germline. Not counted in ClinVar's aggregate classification.

Literature cited by the submitters: PubMed 20671153 (cited by Labcorp Genetics (formerly Invitae), Labcorp); PubMed 25427950 (cited by Labcorp Genetics (formerly Invitae), Labcorp and OMIM); PubMed 27158779 (cited by Labcorp Genetics (formerly Invitae), Labcorp).

NM_015910.7(WDPCP):c.552_553del (p.Cys185fs)

Gene: WDPCP (WD repeat containing planar cell polarity effector; minus strand). Cytogenetic location: 2p15.
Variant type: Deletion.
Coding change: c.552_553del on transcript NM_015910.7 (MANE Select); coding-DNA positions 552 to 553, 2 bases deleted (AT; older notation c.552_553delAT).
Protein change: p.Cys185fs; shifts the reading frame from cysteine 185.
Molecular consequence: frameshift variant. On other transcripts: non-coding transcript variant (3).
Genome position (GRCh38, 1-based): chr2:63,437,501-63,437,502, AT deleted on the plus strand (AT on the coding strand, the reverse complement: WDPCP is on the minus strand); deleting any 2 consecutive bases within chr2:63,437,501-63,437,503 gives the same sequence; the c. name uses the placement nearest the transcript's 3' end. VCF-style (leftmost placement, unchanged base first): chr2-63437500-CAT-C. GRCh37 (hg19) VCF-style: chr2-63664634-CAT-C.
Other names: c.75_76del, p.Cys26fs (NM_001042692.3); c.480_481del, p.Cys161fs (NM_001354044.2); c.552_553del, p.Cys185fs (NM_001354045.2); c.552_553delAT (NM_015910.7); short protein forms C185fs, C26fs, C161fs.
Identifiers: ClinVar variation 162668 (VCV000162668.6), dbSNP rs727503781, ClinGen allele CA175136.
Genomic context (GRCh38, chr2:63,437,500, plus strand): 5'-AGTTTTTCCAGTCTTTTGTTTACATCAGAAGACTCCATCTTCTTGGTAAACTGAATAAAA[CAT>C]AGTTTGTTTTGTGCCAAAAATGATAAGATGATAAAACTGTCTGTGAGAAGAGCTAAAAAA-3'